The following is an entry in ClinVar:

NM_004453.4(ETFDH):c.1214A>G (p.Lys405Arg)

Gene: ETFDH (electron transfer flavoprotein dehydrogenase; plus strand). Cytogenetic location: 4q32.1.
Variant type: single nucleotide variant.
Coding change: c.1214A>G on transcript NM_004453.4 (MANE Select); coding-DNA position 1214, A replaced by G.
Protein change: p.Lys405Arg; replaces lysine 405 with arginine.
Molecular consequence: missense variant.
Genome position (GRCh38, 1-based): chr4:158,703,520, A>G. VCF-style: chr4-158703520-A-G. GRCh37 (hg19) VCF-style: chr4-159624672-A-G.
Other names: c.1073A>G, p.Lys358Arg (NM_001281737.2); c.1031A>G, p.Lys344Arg (NM_001281738.1); short protein forms K344R, K358R, K405R.
Identifiers: ClinVar variation 3609312 (VCV003609312.2).

ClinVar aggregate classification (germline): Uncertain significance (1 of 4 stars; one submission).

Conditions:
Multiple acyl-CoA dehydrogenase deficiency (MADD). Also called: Glutaric aciduria, type 2; Glutaric acidemia type II; GA 2; Glutaric Acidemia type 2; ETHYLMALONIC-ADIPICACIDURIA; GA II. Identifiers: Orphanet 26791, MedGen C0268596, MONDO:0009282, OMIM 231680.

gnomAD v4.1: 5 of 1,609,932 alleles (0.00031%); highest among the groups gnomAD compares: Admixed American, 0.0067%; no homozygotes.

Submission:

Labcorp Genetics (formerly Invitae), Labcorp
Classification: Uncertain significance for Multiple acyl-CoA dehydrogenase deficiency. Last evaluated: 2024-11-28. Review status: criteria provided, single submitter. Criteria: Invitae Variant Classification Sherloc (09022015). Collection method: clinical testing. Allele origin: germline.
Comment: This sequence change replaces lysine, which is basic and polar, with arginine, which is basic and polar, at codon 405 of the ETFDH protein (p.Lys405Arg). This variant is present in population databases (rs746016359, gnomAD 0.01%). This missense change has been observed in individual(s) with ETFDH-related conditions (internal data). Invitae Evidence Modeling of protein sequence and biophysical properties (such as structural, functional, and spatial information, amino acid conservation, physicochemical variation, residue mobility, and thermodynamic stability) indicates that this missense variant is not expected to disrupt ETFDH protein function with a negative predictive value of 80%. In summary, the available evidence is currently insufficient to determine the role of this variant in disease. Therefore, it has been classified as a Variant of Uncertain Significance.